The following is an entry in ClinVar:

NM_001267550.2(TTN):c.50785A>G (p.Arg16929Gly)

Genes: TTN (titin; minus strand), TTN-AS1 (TTN antisense RNA 1; plus strand). Cytogenetic location: 2q31.2.
Variant type: single nucleotide variant.
Coding change: c.50785A>G on transcript NM_001267550.2 (MANE Select); coding-DNA position 50785, A replaced by G.
Protein change: p.Arg16929Gly; replaces arginine 16929 with glycine.
Molecular consequence: missense variant.
Genome position (GRCh38, 1-based): chr2:178,611,444, T>C on the plus strand (A>G on the coding strand, the complement: TTN is on the minus strand). VCF-style: chr2-178611444-T-C. GRCh37 (hg19) VCF-style: chr2-179476171-T-C.
Other names: c.45862A>G, p.Arg15288Gly (NM_001256850.1); c.23590A>G, p.Arg7864Gly (NM_003319.4); c.43081A>G, p.Arg14361Gly (NM_133378.4); c.23965A>G, p.Arg7989Gly (NM_133432.3); c.24166A>G, p.Arg8056Gly (NM_133437.4); short protein forms R14361G, R15288G, R16929G, R7864G, R7989G, R8056G.
Identifiers: ClinVar variation 3602424 (VCV003602424.1).
Genomic context (GRCh38, chr2:178,611,444, plus strand): 5'-TGGCAACCACATTTTCAGAGATTTCAGATGGCTCGCTGACACCAATAGCATTGACTGCTC[T>C]CACTCTCAGGACATATTCTTTGTCAGGAACAACACCTTCTTCAACCTTGAATTTCAAGTC-3'
Protein context (NP_001254479.2, residues 16919-16939): VPDKEYVLRV[Arg16929Gly]AVNAIGVSEP

ClinVar aggregate classification (germline): Uncertain significance (1 of 4 stars; one submission).

gnomAD v4.1: 1 of 1,612,944 alleles (0.000062%); highest among the groups gnomAD compares: Non-Finnish European, 0.000085%; no homozygotes.

Submission:

GeneDx
Classification: Uncertain significance. Last evaluated: 2024-07-30. Review status: criteria provided, single submitter. Criteria: GeneDx Variant Classification Process June 2021. Collection method: clinical testing. Allele origin: germline. Affected: yes.
Comment: Not observed at significant frequency in large population cohorts (gnomAD); Missense variant in a gene in which most reported pathogenic variants are truncating/loss of function; Has not been previously published as pathogenic or benign to our knowledge